The following is an entry in ClinVar:

NM_006445.4(PRPF8):c.5736C>T (p.Pro1912=)

Gene: PRPF8 (pre-mRNA processing factor 8; minus strand). Cytogenetic location: 17p13.3.
Variant type: single nucleotide variant.
Coding change: c.5736C>T on transcript NM_006445.4 (MANE Select); coding-DNA position 5736, C replaced by T.
Protein change: p.Pro1912=; no amino-acid change (proline 1912 retained).
Molecular consequence: synonymous variant.
Genome position (GRCh38, 1-based): chr17:1,656,449, G>A on the plus strand (C>T on the coding strand, the complement: PRPF8 is on the minus strand). VCF-style: chr17-1656449-G-A. GRCh37 (hg19) VCF-style: chr17-1559743-G-A.
Other names: c.5736C>T (NM_006445.3).
Identifiers: ClinVar variation 1661204 (VCV001661204.23), dbSNP rs746713240, ClinGen allele CA8271358.

ClinVar aggregate classification (germline): Likely benign. Review status: criteria provided, multiple submitters, no conflicts (2 of 4 stars). 4 submissions from 4 submitters: Likely benign (4). Last evaluated 2026-02-01.

Conditions:
PRPF8-related disorder. Also called: PRPF8-related condition.

Allele frequency attached by ClinVar (database versions not stated): gnomAD 0.00001; TOPMed 0.00002; gnomAD exomes 0.00003; ExAC 0.00006.
gnomAD v4.1: 41 of 1,614,034 alleles (0.0025%); highest among the groups gnomAD compares: South Asian, 0.011%; no homozygotes.

Submissions (4):

CeGaT Center for Human Genetics Tuebingen
Classification: Likely benign. Last evaluated: 2026-02-01. Review status: criteria provided, single submitter. Criteria: CeGaT Center For Human Genetics Tuebingen Variant Classification Criteria Version 2. Collection method: clinical testing. Allele origin: germline. Affected: yes. Observed: 2 variant alleles.
Comment: PRPF8: BP4, BP7

Labcorp Genetics (formerly Invitae), Labcorp
Classification: Likely benign. Last evaluated: 2025-03-06. Review status: criteria provided, single submitter. Criteria: Invitae Variant Classification Sherloc (09022015). Collection method: clinical testing. Allele origin: germline.

PreventionGenetics, part of Exact Sciences
Classification: Likely benign for PRPF8-related condition. Last evaluated: 2024-11-14. Review status: criteria provided, single submitter. Criteria: ACMG Guidelines, 2015. Collection method: clinical testing. Allele origin: germline.
Comment: This variant is classified as likely benign based on ACMG/AMP sequence variant interpretation guidelines (Richards et al. 2015 PMID: 25741868, with internal and published modifications).

Blueprint Genetics
Classification: Likely benign. Last evaluated: 2024-08-21. Review status: criteria provided, single submitter. Criteria: ACMG Guidelines, 2015. Collection method: clinical testing. Allele origin: germline.